The following is an entry in ClinVar:

ClinVar aggregate classification (germline): Uncertain significance (1 of 4 stars; one submission).

Conditions:
Primary ciliary dyskinesia. Also called: Ciliary dyskinesia. Identifiers: Orphanet 244, MedGen C0008780, MONDO:0016575, HP:0012265.

Allele frequency attached by ClinVar (database versions not stated): gnomAD 0.00001; TOPMed 0.00003; gnomAD exomes 0.00015; 1000 Genomes Project 30x 0.00016; 1000 Genomes Project 0.00020; ExAC 0.00043.

Submission:

Labcorp Genetics (formerly Invitae), Labcorp
Classification: Uncertain significance for Primary ciliary dyskinesia. Last evaluated: 2022-10-17. Review status: criteria provided, single submitter. Criteria: Invitae Variant Classification Sherloc (09022015). Collection method: clinical testing. Allele origin: germline.
Comment: This sequence change replaces alanine, which is neutral and non-polar, with threonine, which is neutral and polar, at codon 4 of the DNAAF2 protein (p.Ala4Thr). This variant is present in population databases (rs543582959, gnomAD 0.1%). This variant has not been reported in the literature in individuals affected with DNAAF2-related conditions. ClinVar contains an entry for this variant (Variation ID: 946480). Algorithms developed to predict the effect of missense changes on protein structure and function (SIFT, PolyPhen-2, Align-GVGD) all suggest that this variant is likely to be tolerated. In summary, the available evidence is currently insufficient to determine the role of this variant in disease. Therefore, it has been classified as a Variant of Uncertain Significance.

NM_018139.3(DNAAF2):c.10G>A (p.Ala4Thr)

Gene: DNAAF2 (dynein axonemal assembly factor 2; minus strand). Cytogenetic location: 14q21.3.
Variant type: single nucleotide variant.
Coding change: c.10G>A on transcript NM_018139.3 (MANE Select); coding-DNA position 10, G replaced by A.
Protein change: p.Ala4Thr; replaces alanine 4 with threonine.
Molecular consequence: missense variant.
Genome position (GRCh38, 1-based): chr14:49,635,140, C>T on the plus strand (G>A on the coding strand, the complement: DNAAF2 is on the minus strand). VCF-style: chr14-49635140-C-T. GRCh37 (hg19) VCF-style: chr14-50101858-C-T.
Other names: c.10G>A, p.Ala4Thr (NM_001083908.2); short protein forms A4T.
Identifiers: ClinVar variation 946480 (VCV000946480.7), dbSNP rs543582959, ClinGen allele CA7173174.